The following is an entry in ClinVar:

NM_207338.4(LCTL):c.981G>A (p.Gln327=)

Gene: LCTL (lactase like; minus strand). Cytogenetic location: 15q22.31.
Variant type: single nucleotide variant.
Coding change: c.981G>A on transcript NM_207338.4 (MANE Select); coding-DNA position 981, G replaced by A.
Protein change: p.Gln327=; no amino-acid change (glutamine 327 retained).
Molecular consequence: synonymous variant. On other transcripts: non-coding transcript variant (1).
Genome position (GRCh38, 1-based): chr15:66,553,200, C>T on the plus strand (G>A on the coding strand, the complement: LCTL is on the minus strand). VCF-style: chr15-66553200-C-T. GRCh37 (hg19) VCF-style: chr15-66845538-C-T.
Other names: c.462G>A, p.Gln154= (NM_001278562.3, NM_001394632.1); c.366G>A, p.Gln122= (NM_001394633.1).
Identifiers: ClinVar variation 2645476 (VCV002645476.24), dbSNP rs763811252, ClinGen allele CA7625956.
Genomic context (GRCh38, chr15:66,553,200, plus strand): 5'-CCGAGTAGTAAAATGACCTAATCCCAAGAAATCGGATGTGCCTTTAATGTAGCTCTTCTC[C>T]TGGAGTGAGAACACCGGTAACCTCGACATCTCCAGGCCTTGCTCTGCACTCTTTCTTCCT-3'
Protein context (NP_997221.2, residues 317-337): EMSRLPVFSL[Gln327=]EKSYIKGTSD

ClinVar aggregate classification (germline): Likely benign (1 of 4 stars; one submission).

Allele frequency attached by ClinVar (database versions not stated): gnomAD 0.00001; TOPMed 0.00001; gnomAD exomes 0.00002; ExAC 0.00006.
gnomAD v4.1: 31 of 1,607,636 alleles (0.0019%); highest among the groups gnomAD compares: Non-Finnish European, 0.0025%; no homozygotes.

Submission:

CeGaT Center for Human Genetics Tuebingen
Classification: Likely benign. Last evaluated: 2023-01-01. Review status: criteria provided, single submitter. Criteria: CeGaT Center For Human Genetics Tuebingen Variant Classification Criteria Version 2. Collection method: clinical testing. Allele origin: germline. Affected: yes. Observed: 1 variant allele.
Comment: LCTL: BP4, BP7